The following is an entry in ClinVar:

ClinVar aggregate classification (germline): Uncertain significance (1 of 4 stars; one submission).

Submission:

GeneDx
Classification: Uncertain significance. Last evaluated: 2022-04-18. Review status: criteria provided, single submitter. Criteria: GeneDx Variant Classification Process June 2021. Collection method: clinical testing. Allele origin: germline. Affected: yes.
Comment: Not observed at significant frequency in large population cohorts (gnomAD); In silico analysis supports that this missense variant has a deleterious effect on protein structure/function; Has not been previously published as pathogenic or benign to our knowledge; This variant is associated with the following publications: (PMID: 11965546)

NM_012330.4(KAT6B):c.5680C>T (p.Pro1894Ser)

Gene: KAT6B (lysine acetyltransferase 6B; plus strand). Cytogenetic location: 10q22.2.
Variant type: single nucleotide variant.
Coding change: c.5680C>T on transcript NM_012330.4 (MANE Select); coding-DNA position 5680, C replaced by T.
Protein change: p.Pro1894Ser; replaces proline 1894 with serine.
Molecular consequence: missense variant.
Genome position (GRCh38, 1-based): chr10:75,030,504, C>T. VCF-style: chr10-75030504-C-T. GRCh37 (hg19) VCF-style: chr10-76790262-C-T.
Other names: c.5131C>T, p.Pro1711Ser (NM_001256468.2, NM_001370138.1); c.4804C>T, p.Pro1602Ser (NM_001256469.2, NM_001370139.1, NM_001370140.1 and 2 more transcripts); c.4642C>T, p.Pro1548Ser (NM_001370132.1); c.3991C>T, p.Pro1331Ser (NM_001370133.1); c.3595C>T, p.Pro1199Ser (NM_001370134.1); c.3337C>T, p.Pro1113Ser (NM_001370135.1); c.5680C>T, p.Pro1894Ser (NM_001370136.1, NM_001370137.1); c.4615C>T, p.Pro1539Ser (NM_001370143.1, NM_001370144.1); short protein forms P1113S, P1199S, P1331S, P1539S, P1548S, P1602S, P1711S, P1894S.
Identifiers: ClinVar variation 1683898 (VCV001683898.2), dbSNP rs2134252084, ClinGen allele CA377301940.